The following is an entry in ClinVar:

ClinVar aggregate classification (germline): Uncertain significance (1 of 4 stars; one submission).

Conditions:
Arthrogryposis, distal, type 2B3. Also called: Arthrogryposis, distal, type 2B3 (Sheldon-Hall). Identifiers: MedGen C5193098, MONDO:0032751, OMIM 618436.

Submission:

3billion
Classification: Uncertain significance for Arthrogryposis, distal, type 2B3. Last evaluated: 2024-02-13. Review status: criteria provided, single submitter. Criteria: ACMG Guidelines, 2015. Collection method: clinical testing. Allele origin: germline. Affected: yes.
Comment: The variant is not observed in the gnomAD v2.1.1 dataset. Predicted Consequence/Location: Missense variant In silico tool predictions suggest damaging effect of the variant on gene or gene product [REVEL: 0.88 (>=0.6, sensitivity 0.68 and specificity 0.92); 3Cnet: 0.93 (>=0.6, sensitivity 0.72 and precision 0.9)]. A different missense change at the same codon (p.Phe437Ile) has been reported to be associated with MYH3 related disorder (PMID: 21531865). However the evidence of pathogenicity is insufficient at this time. Therefore, this variant is classified as VUS according to the recommendation of ACMG/AMP guideline.

Literature cited by the submitters: PubMed 21531865.

NM_002470.4(MYH3):c.1309T>G (p.Phe437Val)

Gene: MYH3 (myosin heavy chain 3; minus strand). Cytogenetic location: 17p13.1.
Variant type: single nucleotide variant.
Coding change: c.1309T>G on transcript NM_002470.4 (MANE Select); coding-DNA position 1309, T replaced by G.
Protein change: p.Phe437Val; replaces phenylalanine 437 with valine.
Molecular consequence: missense variant.
Genome position (GRCh38, 1-based): chr17:10,644,452, A>C on the plus strand (T>G on the coding strand, the complement: MYH3 is on the minus strand). VCF-style: chr17-10644452-A-C. GRCh37 (hg19) VCF-style: chr17-10547769-A-C.
Other names: short protein forms F437V.
Identifiers: ClinVar variation 3775219 (VCV003775219.1).
Genomic context (GRCh38, chr17:10,644,452, plus strand): 5'-AGTGTTGTCTTGGAAGCTTCGTATCCAGTTGCTGGTTAATGCGAGTGACCATCCACAAGA[A>C]CAACTTTTCATAAACTGATTTTGAAAGAGCATTCACAGCATGGTGAACCTATCAGGGGAA-3'
Protein context (NP_002461.2, residues 427-447): ALSKSVYEKL[Phe437Val]LWMVTRINQQ